The following is an entry in ClinVar:

ClinVar aggregate classification (germline): Uncertain significance (1 of 4 stars; one submission).

Conditions:
Familial cold autoinflammatory syndrome 2 (FCAS2). Identifiers: Orphanet 247868, MedGen C2673198, MONDO:0012724, OMIM 611762.

Allele frequency attached by ClinVar (database versions not stated): gnomAD 0.00002 and 0.00003; gnomAD exomes 0.00003 and 0.00004; TOPMed 0.00003; ExAC 0.00005.
gnomAD v4.1: 55 of 1,613,112 alleles (0.0034%); highest among the groups gnomAD compares: Non-Finnish European, 0.0042%; no homozygotes.

Submission:

Labcorp Genetics (formerly Invitae), Labcorp
Classification: Uncertain significance for Familial cold autoinflammatory syndrome 2. Last evaluated: 2025-01-13. Review status: criteria provided, single submitter. Criteria: Invitae Variant Classification Sherloc (09022015). Collection method: clinical testing. Allele origin: germline.
Comment: This sequence change falls in intron 7 of the NLRP12 gene. It does not directly change the encoded amino acid sequence of the NLRP12 protein. It affects a nucleotide within the consensus splice site. This variant is present in population databases (rs199476245, gnomAD 0.007%). This variant has not been reported in the literature in individuals affected with NLRP12-related conditions. ClinVar contains an entry for this variant (Variation ID: 1038329). Variants that disrupt the consensus splice site are a relatively common cause of aberrant splicing (PMID: 17576681, 9536098). Algorithms developed to predict the effect of sequence changes on RNA splicing suggest that this variant is not likely to affect RNA splicing. In summary, the available evidence is currently insufficient to determine the role of this variant in disease. Therefore, it has been classified as a Variant of Uncertain Significance.

Literature cited by the submitters: PubMed 17576681; PubMed 9536098.

NM_144687.4(NLRP12):c.2756+6T>C

Gene: NLRP12 (NLR family pyrin domain containing 12; minus strand). Cytogenetic location: 19q13.42.
Variant type: single nucleotide variant.
Coding change: c.2756+6T>C on transcript NM_144687.4 (MANE Select); 6 bases into the intron after coding-DNA position 2756, T replaced by C.
Molecular consequence: intron variant.
Genome position (GRCh38, 1-based): chr19:53,801,221, A>G on the plus strand (T>C on the coding strand, the complement: NLRP12 is on the minus strand). VCF-style: chr19-53801221-A-G. GRCh37 (hg19) VCF-style: chr19-54304475-A-G.
Other names: c.2756+6T>C (NM_001277129.1); c.2759+6T>C (NM_001277126.2).
Identifiers: ClinVar variation 1038329 (VCV001038329.8), dbSNP rs199476245, ClinGen allele CA9638936.